The following is an entry in ClinVar:

NM_002439.5(MSH3):c.3272A>G (p.Lys1091Arg)

Gene: MSH3 (mutS homolog 3; plus strand). Cytogenetic location: 5q14.1.
Variant type: single nucleotide variant.
Coding change: c.3272A>G on transcript NM_002439.5 (MANE Select); coding-DNA position 3272, A replaced by G.
Protein change: p.Lys1091Arg; replaces lysine 1091 with arginine.
Molecular consequence: missense variant.
Genome position (GRCh38, 1-based): chr5:80,873,257, A>G. VCF-style: chr5-80873257-A-G. GRCh37 (hg19) VCF-style: chr5-80169076-A-G.
Other names: short protein forms K1091R.
Identifiers: ClinVar variation 1729633 (VCV001729633.2), dbSNP rs2478805472, ClinGen allele CA360347081.

ClinVar aggregate classification (germline): Uncertain significance (1 of 4 stars; one submission).

Conditions:
Hereditary cancer-predisposing syndrome. Also called: Neoplastic Syndromes, Hereditary; Tumor predisposition; Hereditary Cancer Syndrome; Hereditary neoplastic syndrome. Identifiers: Orphanet 140162, MedGen C0027672, MeSH D009386, MONDO:0015356.

Submission:

Ambry Genetics
Classification: Uncertain significance for Hereditary cancer-predisposing syndrome. Last evaluated: 2021-10-25. Review status: criteria provided, single submitter. Criteria: Ambry Variant Classification Scheme 2023. Collection method: clinical testing. Allele origin: germline.
Comment: The p.K1091R variant (also known as c.3272A>G), located in coding exon 23 of the MSH3 gene, results from an A to G substitution at nucleotide position 3272. The lysine at codon 1091 is replaced by arginine, an amino acid with highly similar properties. This amino acid position is conserved. In addition, this alteration is predicted to be tolerated by in silico analysis. Since supporting evidence is limited at this time, the clinical significance of this alteration remains unclear.